The following is an entry in ClinVar:

NM_001025616.3(ARHGAP24):c.615C>T (p.His205=)

Gene: ARHGAP24 (Rho GTPase activating protein 24; plus strand). Cytogenetic location: 4q21.23.
Variant type: single nucleotide variant.
Coding change: c.615C>T on transcript NM_001025616.3 (MANE Select); coding-DNA position 615, C replaced by T.
Protein change: p.His205=; no amino-acid change (histidine 205 retained).
Molecular consequence: synonymous variant.
Genome position (GRCh38, 1-based): chr4:85,972,051, C>T. VCF-style: chr4-85972051-C-T. GRCh37 (hg19) VCF-style: chr4-86893204-C-T.
Other names: c.330C>T, p.His110= (NM_001042669.2); c.360C>T, p.His120= (NM_001287805.2); c.36C>T, p.His12= (NM_001346093.2); c.336C>T, p.His112= (NM_031305.3); c.615C>T (NM_001025616.2).
Identifiers: ClinVar variation 1989726 (VCV001989726.6), dbSNP rs146311467, ClinGen allele CA2994543.

ClinVar aggregate classification (germline): Benign. Review status: criteria provided, single submitter (1 of 4 stars). 2 submissions from 2 submitters: Benign (1). 1 of the submissions does not count toward it. Last evaluated 2025-01-21.

Conditions:
ARHGAP24-related disorder. Also called: ARHGAP24-related condition.

Allele frequency attached by ClinVar (database versions not stated): gnomAD exomes 0.00006; gnomAD 0.00007; TOPMed 0.00009; ExAC 0.00015; 1000 Genomes Project 30x 0.00047; 1000 Genomes Project 0.00060.
gnomAD v4.1: 99 of 1,614,048 alleles (0.0061%); highest among the groups gnomAD compares: East Asian, 0.21%; no homozygotes.

Submissions (2):

Labcorp Genetics (formerly Invitae), Labcorp
Classification: Benign. Last evaluated: 2025-01-21. Review status: criteria provided, single submitter. Criteria: Invitae Variant Classification Sherloc (09022015). Collection method: clinical testing. Allele origin: germline.

PreventionGenetics, part of Exact Sciences
Classification: Likely benign for ARHGAP24-related condition. Last evaluated: 2022-12-19. Review status: no assertion criteria provided. Collection method: clinical testing. Allele origin: germline. Not counted in ClinVar's aggregate classification.
Comment: This variant is classified as likely benign based on ACMG/AMP sequence variant interpretation guidelines (Richards et al. 2015 PMID: 25741868, with internal and published modifications).